The following is an entry in ClinVar:

NM_014159.7(SETD2):c.732A>G (p.Ile244Met)

Gene: SETD2 (SET domain containing 2, histone lysine methyltransferase; minus strand). Cytogenetic location: 3p21.31.
Variant type: single nucleotide variant.
Coding change: c.732A>G on transcript NM_014159.7 (MANE Select); coding-DNA position 732, A replaced by G.
Protein change: p.Ile244Met; replaces isoleucine 244 with methionine.
Molecular consequence: missense variant. On other transcripts: non-coding transcript variant (1).
Genome position (GRCh38, 1-based): chr3:47,123,904, T>C on the plus strand (A>G on the coding strand, the complement: SETD2 is on the minus strand). VCF-style: chr3-47123904-T-C. GRCh37 (hg19) VCF-style: chr3-47165394-T-C.
Other names: c.600A>G, p.Ile200Met (NM_001349370.3); short protein forms I200M, I244M.
Identifiers: ClinVar variation 5009431 (VCV005009431.1).

ClinVar aggregate classification (germline): Uncertain significance (1 of 4 stars; one submission).

Submission:

GeneDx
Classification: Uncertain significance. Last evaluated: 2026-03-18. Review status: criteria provided, single submitter. Criteria: GeneDx Variant Classification Process June 2021. Collection method: clinical testing. Allele origin: germline.
Comment: Not observed at significant frequency in large population cohorts (gnomAD); In silico analysis suggests that this missense variant does not alter protein structure/function; Has not been previously published as pathogenic or benign to our knowledge